The following is an entry in ClinVar:

ClinVar aggregate classification (germline): Conflicting classifications of pathogenicity. Review status: criteria provided, conflicting classifications (1 of 4 stars). 2 submissions from 2 submitters: Uncertain significance (1); Likely benign (1). Last evaluated 2024-03-01.

Conditions:
Familial thoracic aortic aneurysm and aortic dissection (TAAD). Also called: Thoracic aortic aneurysms and dissections. Identifiers: Orphanet 91387, MedGen C4707243, MONDO:0019625.
FG syndrome (FGS). Identifiers: MedGen C0220769, MONDO:0002010.

Allele frequency attached by ClinVar (database versions not stated): gnomAD exomes 0.00003; ExAC 0.00006.
gnomAD v4.1: 14 of 1,165,772 alleles (0.0012%); highest among the groups gnomAD compares: Middle Eastern, 0.28%; no homozygotes.

Submissions (2):

Ambry Genetics
Classification: Likely benign for Familial thoracic aortic aneurysm and aortic dissection. Last evaluated: 2024-03-01. Review status: criteria provided, single submitter. Criteria: Ambry Variant Classification Scheme 2023. Collection method: clinical testing. Allele origin: germline.

Labcorp Genetics (formerly Invitae), Labcorp
Classification: Uncertain significance for FG syndrome. Last evaluated: 2022-05-19. Review status: criteria provided, single submitter. Criteria: Invitae Variant Classification Sherloc (09022015). Collection method: clinical testing. Allele origin: germline.
Comment: In summary, the available evidence is currently insufficient to determine the role of this variant in disease. Therefore, it has been classified as a Variant of Uncertain Significance. This sequence change replaces glutamine, which is neutral and polar, with proline, which is neutral and non-polar, at codon 2109 of the MED12 protein (p.Gln2109Pro). The frequency data for this variant in the population databases is considered unreliable, as metrics indicate poor data quality at this position in the gnomAD database. This variant has not been reported in the literature in individuals affected with MED12-related conditions. ClinVar contains an entry for this variant (Variation ID: 519909). Algorithms developed to predict the effect of missense changes on protein structure and function are either unavailable or do not agree on the potential impact of this missense change (SIFT: "Tolerated"; PolyPhen-2: "Not Available"; Align-GVGD: "Class C0").

NM_005120.3(MED12):c.6326A>C (p.Gln2109Pro)

Gene: MED12 (mediator complex subunit 12; plus strand). Cytogenetic location: Xq13.1.
Variant type: single nucleotide variant.
Coding change: c.6326A>C on transcript NM_005120.3 (MANE Select); coding-DNA position 6326, A replaced by C.
Protein change: p.Gln2109Pro; replaces glutamine 2109 with proline.
Molecular consequence: missense variant.
Genome position (GRCh38, 1-based): chrX:71,141,288, A>C. VCF-style: chrX-71141288-A-C. GRCh37 (hg19) VCF-style: chrX-70361138-A-C.
Other names: short protein forms Q2109P.
Identifiers: ClinVar variation 519909 (VCV000519909.9), dbSNP rs755793630, ClinGen allele CA10444919.
Genomic context (GRCh38, chrX:71,141,288, plus strand): 5'-AGCAGCAGCAGCAACAGCAACAGCAGCAGCAGCAGCAGCAGCAACAGCAACAGCAGCAGC[A>C]GCAACAGCAACAACAGCAACACCAGCAGCAACAGCAGCAACAGGCGGCTCCTCCCCAACC-3'
Protein context (NP_005111.2, residues 2099-2119): QQQQQQQQQQ[Gln2109Pro]QQQQQQHQQQ